The following is an entry in ClinVar:

ClinVar aggregate classification (germline): Pathogenic. Review status: criteria provided, multiple submitters, no conflicts (2 of 4 stars). 3 submissions from 3 submitters: Pathogenic (3). Last evaluated 2025-12-12.

Conditions:
Griscelli syndrome type 2 (GS2). Also called: GRISCELLI SYNDROME WITH HEMOPHAGOCYTIC SYNDROME; PAID SYNDROME; PARTIAL ALBINISM AND IMMUNODEFICIENCY SYNDROME. Identifiers: Orphanet 381, Orphanet 79477, MedGen C1868679, MONDO:0011872, OMIM 607624.

Submissions (3):

3billion
Classification: Pathogenic for Griscelli syndrome type 2. Last evaluated: 2025-12-12. Review status: criteria provided, single submitter. Criteria: ACMG Guidelines, 2015. Collection method: clinical testing. Allele origin: germline. Affected: yes.
Comment: The variant is observed at an extremely low frequency in the gnomAD v4.1.0 dataset (total allele frequency: <0.001%). Predicted Consequence/Location: Frameshift: predicted to result in a loss or disruption of normal protein function through nonsense-mediated decay (NMD) or protein truncation. Multiple pathogenic variants are reported downstream of the variant. The variant has been reported at least twice as pathogenic without evidence for the classification (ClinVar ID: VCV001409958 /PMID: 30104219). Therefore, this variant is classified as Pathogenic according to the recommendation of ACMG/AMP guideline.

Labcorp Genetics (formerly Invitae), Labcorp
Classification: Pathogenic for Griscelli syndrome type 2. Last evaluated: 2025-09-30. Review status: criteria provided, single submitter. Criteria: Invitae Variant Classification Sherloc (09022015). Collection method: clinical testing. Allele origin: germline.
Comment: This sequence change creates a premature translational stop signal (p.Asn112Thrfs*3) in the RAB27A gene. It is expected to result in an absent or disrupted protein product. Loss-of-function variants in RAB27A are known to be pathogenic (PMID: 10835631, 23160464). This variant is present in population databases (rs756644243, gnomAD 0.03%). This premature translational stop signal has been observed in individual(s) with Griscelli syndrome type 2 (PMID: 30104219, 31233462). ClinVar contains an entry for this variant (Variation ID: 1409958). For these reasons, this variant has been classified as Pathogenic.

GeneDx
Classification: Pathogenic. Last evaluated: 2025-04-11. Review status: criteria provided, single submitter. Criteria: GeneDx Variant Classification Process June 2021. Collection method: clinical testing. Allele origin: germline. Affected: yes.
Comment: Frameshift variant predicted to result in protein truncation or nonsense mediated decay in a gene for which loss of function is a known mechanism of disease; This variant is associated with the following publications: (PMID: 30104219, 32542393, 31233462)

Literature cited by the submitters: PubMed 30104219 (cited by 3billion and Labcorp Genetics (formerly Invitae), Labcorp); PubMed 10835631 (cited by Labcorp Genetics (formerly Invitae), Labcorp); PubMed 23160464 (cited by Labcorp Genetics (formerly Invitae), Labcorp); PubMed 31233462 (cited by Labcorp Genetics (formerly Invitae), Labcorp).

NM_183235.3(RAB27A):c.335del (p.Asn112fs)

Gene: RAB27A (RAB27A, member RAS oncogene family; minus strand). Cytogenetic location: 15q21.3.
Variant type: Deletion.
Coding change: c.335del on transcript NM_183235.3 (MANE Select); coding-DNA position 335, one base deleted (A; older notation c.335delA).
Protein change: p.Asn112fs; shifts the reading frame from asparagine 112.
Molecular consequence: frameshift variant.
Genome position (GRCh38, 1-based): chr15:55,228,617, T deleted on the plus strand (A on the coding strand, the reverse complement: RAB27A is on the minus strand); the first of 3 consecutive T bases (chr15:55,228,617-55,228,619); deleting any one gives the same sequence. VCF-style (leftmost placement, unchanged base first): chr15-55228616-GT-G. GRCh37 (hg19) VCF-style: chr15-55520814-GT-G.
Other names: c.335del, p.Asn112fs (NM_004580.5, NM_183236.3); c.333delA, p.Asn112Thrfs (NM_183234.3); c.335del (NM_004580.4); short protein forms N112fs.
Identifiers: ClinVar variation 1409958 (VCV001409958.7), dbSNP rs756644243, ClinGen allele CA7573612.